The following is an entry in ClinVar:

NM_002519.3(NPAT):c.2300A>C (p.Asn767Thr)

Gene: NPAT (nuclear protein, coactivator of histone transcription; minus strand). Cytogenetic location: 11q22.3.
Variant type: single nucleotide variant.
Coding change: c.2300A>C on transcript NM_002519.3 (MANE Select); coding-DNA position 2300, A replaced by C.
Protein change: p.Asn767Thr; replaces asparagine 767 with threonine.
Molecular consequence: missense variant.
Genome position (GRCh38, 1-based): chr11:108,172,684, T>G on the plus strand (A>C on the coding strand, the complement: NPAT is on the minus strand). VCF-style: chr11-108172684-T-G. GRCh37 (hg19) VCF-style: chr11-108043411-T-G.
Other names: c.2300A>C, p.Asn767Thr (NM_001321307.1); short protein forms N767T.
Identifiers: ClinVar variation 3407194 (VCV003407194.1).

ClinVar aggregate classification (germline): Uncertain significance (1 of 4 stars; one submission).

Submission:

Ambry Genetics
Classification: Uncertain significance. Last evaluated: 2024-08-19. Review status: criteria provided, single submitter. Criteria: Ambry Variant Classification Scheme 2023. Collection method: clinical testing. Allele origin: germline.
Comment: The p.N767T variant (also known as c.2300A>C), located in coding exon 13 of the NPAT gene, results from an A to C substitution at nucleotide position 2300. The asparagine at codon 767 is replaced by threonine, an amino acid with similar properties. This amino acid position is conserved. In addition, this alteration is predicted to be tolerated by in silico analysis. Based on the available evidence, the clinical significance of this variant remains unclear.